The following is an entry in ClinVar:

ClinVar aggregate classification (germline): Uncertain significance. Review status: criteria provided, multiple submitters, no conflicts (2 of 4 stars). 2 submissions from 2 submitters: Uncertain significance (2). Last evaluated 2024-10-14.

Allele frequency attached by ClinVar (database versions not stated): ExAC 0.00001; ESP Exome Variant Server 0.00015; 1000 Genomes Project 30x 0.00016; 1000 Genomes Project 0.00020.
gnomAD v4.1: 25 of 1,613,754 alleles (0.0015%); highest among the groups gnomAD compares: African/African-American, 0.028%; no homozygotes.

Submissions (2):

Labcorp Genetics (formerly Invitae), Labcorp
Classification: Uncertain significance. Last evaluated: 2024-10-14. Review status: criteria provided, single submitter. Criteria: Invitae Variant Classification Sherloc (09022015). Collection method: clinical testing. Allele origin: germline.
Comment: This sequence change creates a premature translational stop signal (p.Arg1615*) in the KIAA0556 gene. While this is not anticipated to result in nonsense mediated decay, it is expected to disrupt the last 4 amino acid(s) of the KIAA0556 protein. This variant is present in population databases (rs150515359, gnomAD 0.02%). This variant has not been reported in the literature in individuals affected with KIAA0556-related conditions. ClinVar contains an entry for this variant (Variation ID: 2057190). Experimental studies and prediction algorithms are not available or were not evaluated, and the functional significance of this variant is currently unknown. In summary, the available evidence is currently insufficient to determine the role of this variant in disease. Therefore, it has been classified as a Variant of Uncertain Significance.

Blueprint Genetics
Classification: Uncertain significance. Last evaluated: 2022-09-30. Review status: criteria provided, single submitter. Criteria: ACMG Guidelines, 2015. Collection method: clinical testing. Allele origin: germline.

NM_015202.5(KATNIP):c.4843C>T (p.Arg1615Ter)

Gene: KATNIP (katanin interacting protein; plus strand). Cytogenetic location: 16p12.1.
Variant type: single nucleotide variant.
Coding change: c.4843C>T on transcript NM_015202.5 (MANE Select); coding-DNA position 4843, C replaced by T.
Protein change: p.Arg1615Ter; replaces arginine 1615 with a stop codon.
Molecular consequence: nonsense.
Genome position (GRCh38, 1-based): chr16:27,778,615, C>T. VCF-style: chr16-27778615-C-T. GRCh37 (hg19) VCF-style: chr16-27789936-C-T.
Other names: short protein forms R1615*.
Identifiers: ClinVar variation 2057190 (VCV002057190.4), dbSNP rs150515359, ClinGen allele CA7978808.